The following is an entry in ClinVar:

ClinVar aggregate classification (germline): Pathogenic (1 of 4 stars; one submission).

Conditions:
Long QT syndrome (LQTS). Identifiers: MedGen C0023976, MeSH D008133, MONDO:0002442. Disease mechanism: loss of function. Inheritance: Various modes of inheritance.

Submission:

Labcorp Genetics (formerly Invitae), Labcorp
Classification: Pathogenic for Long QT syndrome. Last evaluated: 2018-01-15. Review status: criteria provided, single submitter. Criteria: Invitae Variant Classification Sherloc (09022015). Collection method: clinical testing. Allele origin: germline.
Comment: This variant is a gross deletion of the genomic region encompassing exons 1-2 of the KCNH2 gene, which includes the initiator codon. The 5' end of this event is unknown as it extends beyond the assayed region for this gene and therefore may encompass additional genes. The 3' boundary is likely confined to intron 2 of the KCNH2 gene. This is expected to result in an absent or disrupted protein product. For these reasons, this variant has been classified as Pathogenic. Loss-of-function variants in KCNH2 are known to be pathogenic (PMID: 19862833). This variant has not been reported in the literature in individuals with KCNH2-related disease.

Literature cited by the submitters: PubMed 19862833.

NC_000007.14:g.(?_150974691)_(150977933_?)del

Genes: KCNH2 (potassium voltage-gated channel subfamily H member 2; minus strand), LOC129999612 (ATAC-STARR-seq lymphoblastoid silent region 18787; plus strand). Cytogenetic location: 7q36.1.
Variant type: Deletion.
Identifiers: ClinVar variation 456849 (VCV000456849.6).